The following is an entry in ClinVar:

ClinVar aggregate classification (germline): Pathogenic (1 of 4 stars; one submission).

Submission:

Labcorp Genetics (formerly Invitae), Labcorp
Classification: Pathogenic. Last evaluated: 2023-10-05. Review status: criteria provided, single submitter. Criteria: Invitae Variant Classification Sherloc (09022015). Collection method: clinical testing. Allele origin: germline.
Comment: This sequence change creates a premature translational stop signal (p.Tyr401*) in the ABCC2 gene. It is expected to result in an absent or disrupted protein product. Loss-of-function variants in ABCC2 are known to be pathogenic (PMID: 9185779, 16549534, 16952291). This variant is not present in population databases (gnomAD no frequency). This variant has not been reported in the literature in individuals affected with ABCC2-related conditions. For these reasons, this variant has been classified as Pathogenic.

Literature cited by the submitters: PubMed 9185779; PubMed 16549534; PubMed 16952291.

NM_000392.5(ABCC2):c.1203_1205del (p.Tyr401_Lys402delinsTer)

Gene: ABCC2 (ATP binding cassette subfamily C member 2; plus strand). Cytogenetic location: 10q24.2.
Variant type: Deletion.
Coding change: c.1203_1205del on transcript NM_000392.5 (MANE Select); coding-DNA positions 1203 to 1205, 3 bases deleted (TAA; older notation c.1203_1205delTAA).
Protein change: p.Tyr401_Lys402delinsTer.
Molecular consequence: nonsense.
Genome position (GRCh38, 1-based): chr10:99,800,557-99,800,559, TAA deleted; deleting any 3 consecutive bases within chr10:99,800,556-99,800,559 gives the same sequence; the c. name uses the placement nearest the transcript's 3' end. VCF-style (leftmost placement, unchanged base first): chr10-99800555-TATA-T. GRCh37 (hg19) VCF-style: chr10-101560312-TATA-T.
Identifiers: ClinVar variation 2760020 (VCV002760020.3), dbSNP rs2492874992, ClinGen allele CA2697558723.
Genomic context (GRCh38, chr10:99,800,555, plus strand): 5'-TATTTCCAACTGTGCTTCAAGCTGGGTGTAAAAGTACGGACAGCTATCATGGCTTCTGTA[TATA>T]AGAAGGTAAGCAGAATACGGCAGGTATCACCAAAGAAAATCCCCTCAGTAAATATGAGCA-3'